The following is an entry in ClinVar:

ClinVar aggregate classification (germline): Pathogenic (1 of 4 stars; one submission).

Conditions:
Familial cancer of breast. Also called: hereditary breast carcinoma; BREAST CANCER, FAMILIAL; Hereditary breast cancer. Identifiers: Orphanet 227535, MedGen C0346153, MONDO:0016419, OMIM 114480. Disease mechanism: loss of function.

Submission:

Myriad Genetics, Inc.
Classification: Pathogenic for Familial cancer of breast. Last evaluated: 2025-05-13. Review status: criteria provided, single submitter. Criteria: Myriad Autosomal Dominant, Autosomal Recessive and X-Linked Classification Criteria (2023). Collection method: clinical testing. Allele origin: unknown.
Comment: This variant is considered pathogenic. This variant creates a termination codon and is predicted to result in premature protein truncation.

NM_032043.3(BRIP1):c.2763T>A (p.Tyr921Ter)

Gene: BRIP1 (BRCA1 interacting DNA helicase 1; minus strand). Cytogenetic location: 17q23.2.
Variant type: single nucleotide variant.
Coding change: c.2763T>A on transcript NM_032043.3 (MANE Select); coding-DNA position 2763, T replaced by A.
Protein change: p.Tyr921Ter; replaces tyrosine 921 with a stop codon.
Molecular consequence: nonsense.
Genome position (GRCh38, 1-based): chr17:61,685,978, A>T on the plus strand (T>A on the coding strand, the complement: BRIP1 is on the minus strand). VCF-style: chr17-61685978-A-T. GRCh37 (hg19) VCF-style: chr17-59763339-A-T.
Other names: short protein forms Y921*.
Identifiers: ClinVar variation 4071280 (VCV004071280.1).